The following is an entry in ClinVar:

NM_001079872.2(CUL4B):c.777-9_777-8del

Gene: CUL4B (cullin 4B; minus strand). Cytogenetic location: Xq24.
Variant type: Microsatellite.
Coding change: c.777-9_777-8del on transcript NM_001079872.2 (MANE Select); 9 bases into the intron before coding-DNA position 777 through 8 bases into the intron before coding-DNA position 777, 2 bases deleted (AT; older notation c.777-9_777-8delAT).
Molecular consequence: intron variant.
Genome position (GRCh38, 1-based): chrX:120,546,624-120,546,625, AT deleted on the plus strand (AT on the coding strand, the reverse complement: CUL4B is on the minus strand); deleting any 2 consecutive bases within chrX:120,546,624-120,546,627 gives the same sequence; the c. name uses the placement nearest the transcript's 3' end. VCF-style (leftmost placement, unchanged base first): chrX-120546623-CAT-C. GRCh37 (hg19) VCF-style: chrX-119680478-CAT-C.
Other names: c.831-9_831-8del (NM_003588.4); c.792-9_792-8del (NM_001330624.2); c.243-9_243-8del (NM_001369145.1).
Identifiers: ClinVar variation 4293011 (VCV004293011.1).

ClinVar aggregate classification (germline): Uncertain significance (1 of 4 stars; one submission).

Conditions:
X-linked intellectual disability Cabezas type (MRXSC). Also called: CABEZAS SYNDROME; MENTAL RETARDATION, X-LINKED, SYNDROMIC 15; Intellectual developmental disorder, X-linked syndromic, Cabezas type. Identifiers: Orphanet 85289, Orphanet 85293, MedGen C1845861, MONDO:0010306, OMIM 300354.

Submission:

3billion
Classification: Uncertain significance for X-linked intellectual disability Cabezas type. Last evaluated: 2024-08-02. Review status: criteria provided, single submitter. Criteria: ACMG Guidelines, 2015. Collection method: clinical testing. Allele origin: germline. Affected: yes.
Comment: The variant is not observed in the gnomAD v4.0.0 dataset. Predicted Consequence/Location: Intron variant Splice alteration predicted by in silico tool is uncertain [SpliceAI: 0.11 (spliceogenicity >=0.2, non-spliceogenicity <0.1)]. Therefore, this variant is classified as VUS according to the recommendation of ACMG/AMP guideline.